The following is an entry in ClinVar:

NM_001103.4(ACTN2):c.1445G>A (p.Arg482Gln)

Gene: ACTN2 (actinin alpha 2; plus strand). Cytogenetic location: 1q43.
Variant type: single nucleotide variant.
Coding change: c.1445G>A on transcript NM_001103.4 (MANE Select); coding-DNA position 1445, G replaced by A.
Protein change: p.Arg482Gln; replaces arginine 482 with glutamine.
Molecular consequence: missense variant.
Genome position (GRCh38, 1-based): chr1:236,747,705, G>A. VCF-style: chr1-236747705-G-A. GRCh37 (hg19) VCF-style: chr1-236911005-G-A.
Other names: c.1445G>A, p.Arg482Gln (NM_001278343.2); c.821G>A, p.Arg274Gln (NM_001278344.2); short protein forms R482Q, R274Q.
Identifiers: ClinVar variation 519018 (VCV000519018.25), dbSNP rs778023612, ClinGen allele CA1473164.
Genomic context (GRCh38, chr1:236,747,705, plus strand): 5'-TATTTATTTTCACTTTTAATAGTGAACTGGACTATCACGACGCTGTGAATGTCAATGATC[G>A]GTGCCAGAAAATTTGTGACCAGTGGGACCGACTGGGAACGCTTACTCAGAAGAGGAGAGA-3'
Protein context (NP_001094.1, residues 472-492): DYHDAVNVND[Arg482Gln]CQKICDQWDR

ClinVar aggregate classification (germline): Conflicting classifications of pathogenicity. Review status: criteria provided, conflicting classifications (1 of 4 stars). 3 submissions from 3 submitters: Uncertain significance (2); Likely benign (1). Last evaluated 2025-12-16.

Conditions:
Cardiovascular phenotype. Identifiers: MedGen CN230736.
Dilated cardiomyopathy 1AA (CMD1AA). Also called: CARDIOMYOPATHY, DILATED, 1AA, WITH OR WITHOUT LEFT VENTRICULAR NONCOMPACTION; CARDIOMYOPATHY, FAMILIAL HYPERTROPHIC, 23, WITH OR WITHOUT LEFT VENTRICULAR NONCOMPACTION; Cardiomyopathy, dilated, 1AA, with or without LVNC. Identifiers: Orphanet 154, MedGen C2677338, MONDO:0012808, OMIM 612158.
Primary familial hypertrophic cardiomyopathy (HCM). Identifiers: Orphanet 99739, MedGen C0949658, MeSH D024741, MONDO:0024573. Inheritance: Various modes of inheritance.

Allele frequency attached by ClinVar (database versions not stated): ExAC 0.00002; gnomAD exomes 0.00002; gnomAD 0.00003; TOPMed 0.00005.
gnomAD v4.1: 28 of 1,613,956 alleles (0.0017%); highest among the groups gnomAD compares: Admixed American, 0.0067%; no homozygotes.

Submissions (3):

GeneDx
Classification: Uncertain significance. Last evaluated: 2025-12-16. Review status: criteria provided, single submitter. Criteria: GeneDx Variant Classification Process June 2021. Collection method: clinical testing. Allele origin: germline. Affected: yes.
Comment: In silico analysis supports that this missense variant has a deleterious effect on protein structure/function; Has not been previously published as pathogenic or benign to our knowledge

Labcorp Genetics (formerly Invitae), Labcorp
Classification: Likely benign for Primary familial hypertrophic cardiomyopathy; Dilated cardiomyopathy 1AA. Last evaluated: 2025-10-13. Review status: criteria provided, single submitter. Criteria: Invitae Variant Classification Sherloc (09022015). Collection method: clinical testing. Allele origin: germline.

Ambry Genetics
Classification: Uncertain significance for Cardiovascular phenotype. Last evaluated: 2024-11-19. Review status: criteria provided, single submitter. Criteria: Ambry Variant Classification Scheme 2023. Collection method: clinical testing. Allele origin: germline.
Comment: The p.R482Q variant (also known as c.1445G>A), located in coding exon 13 of the ACTN2 gene, results from a G to A substitution at nucleotide position 1445. The arginine at codon 482 is replaced by glutamine, an amino acid with highly similar properties. This amino acid position is highly conserved in available vertebrate species. In addition, the in silico prediction for this alteration is inconclusive. Since supporting evidence is limited at this time, the clinical significance of this alteration remains unclear.